The following is an entry in ClinVar:

ClinVar aggregate classification (germline): Likely benign. Review status: criteria provided, multiple submitters, no conflicts (2 of 4 stars). 2 submissions from 2 submitters: Likely benign (2). Last evaluated 2026-06-19.

gnomAD v4.1: 12 of 1,613,594 alleles (0.00074%); highest among the groups gnomAD compares: Non-Finnish European, 0.001%; no homozygotes.

Submissions (2):

Women's Health and Genetics/Laboratory Corporation of America, LabCorp
Classification: Likely benign. Last evaluated: 2026-06-19. Review status: criteria provided, single submitter. Criteria: LabCorp Variant Classification Summary - May 2015. Collection method: clinical testing. Allele origin: germline.
Comment: Variant summary: SMARCC2 c.1082-4G>A alters a nucleotide located at a position not widely known to affect splicing. Consensus agreement among computation tools predict no significant impact on normal splicing. However, these predictions have yet to be confirmed by functional studies. The variant allele was found at a frequency of 1.2e-05 in 251404 control chromosomes. The available data on variant occurrences in the general population are insufficient to allow any conclusion about variant significance. To our knowledge, no occurrence of c.1082-4G>A in individuals affected with SMARCC2-related conditions and no experimental evidence demonstrating its impact on protein function have been reported. No submitters have cited clinical-significance assessments for this variant to ClinVar. Based on the evidence outlined above, the variant was classified as likely benign.

Blueprint Genetics
Classification: Likely benign. Last evaluated: 2023-11-27. Review status: criteria provided, single submitter. Criteria: ACMG Guidelines, 2015. Collection method: clinical testing. Allele origin: germline.

NM_001330288.2(SMARCC2):c.1082-4G>A

Gene: SMARCC2 (SWI/SNF related BAF chromatin remodeling complex subunit C2; minus strand). Cytogenetic location: 12q13.2.
Variant type: single nucleotide variant.
Coding change: c.1082-4G>A on transcript NM_001330288.2 (MANE Select); 4 bases into the intron before coding-DNA position 1082, G replaced by A.
Molecular consequence: intron variant.
Genome position (GRCh38, 1-based): chr12:56,179,060, C>T on the plus strand (G>A on the coding strand, the complement: SMARCC2 is on the minus strand). VCF-style: chr12-56179060-C-T. GRCh37 (hg19) VCF-style: chr12-56572844-C-T.
Other names: c.1082-4G>A (NM_003075.5, NM_139067.4, NM_001130420.3).
Identifiers: ClinVar variation 4887114 (VCV004887114.2).
Genomic context (GRCh38, chr12:56,179,060, plus strand): 5'-GGTCGGTCATGGTGCCGCCTTTGACTGGGGCCGACTCTGAGTCTTTCTTTGTGTTGACTG[C>T]GAAAACAGAGAGTCATTTTATCAGACAGATTTTGCCTAATTCAAGCCTTCAATTTAATAG-3'